The following is an entry in ClinVar:

ClinVar aggregate classification (germline): Uncertain significance (1 of 4 stars; one submission).

Conditions:
Congenital contractural arachnodactyly (CCA). Also called: BEALS SYNDROME; Beals-Hecht syndrome; Arthrogryposis, distal, type 9. Identifiers: Orphanet 115, MedGen C0220668, MONDO:0007363, OMIM 121050.

gnomAD v4.1: 1 of 1,614,038 alleles (0.000062%); highest among the groups gnomAD compares: Non-Finnish European, 0.000085%; no homozygotes.

Submission:

Labcorp Genetics (formerly Invitae), Labcorp
Classification: Uncertain significance for Congenital contractural arachnodactyly. Last evaluated: 2024-07-30. Review status: criteria provided, single submitter. Criteria: Invitae Variant Classification Sherloc (09022015). Collection method: clinical testing. Allele origin: germline.
Comment: This sequence change replaces valine, which is neutral and non-polar, with alanine, which is neutral and non-polar, at codon 716 of the FBN2 protein (p.Val716Ala). This variant is present in population databases (no rsID available, gnomAD 0.0009%). This variant has not been reported in the literature in individuals affected with FBN2-related conditions. Advanced modeling of protein sequence and biophysical properties (such as structural, functional, and spatial information, amino acid conservation, physicochemical variation, residue mobility, and thermodynamic stability) performed at Invitae indicates that this missense variant is not expected to disrupt FBN2 protein function with a negative predictive value of 80%. In summary, the available evidence is currently insufficient to determine the role of this variant in disease. Therefore, it has been classified as a Variant of Uncertain Significance.

NM_001999.4(FBN2):c.2147T>C (p.Val716Ala)

Gene: FBN2 (fibrillin 2; minus strand). Cytogenetic location: 5q23.3.
Variant type: single nucleotide variant.
Coding change: c.2147T>C on transcript NM_001999.4 (MANE Select); coding-DNA position 2147, T replaced by C.
Protein change: p.Val716Ala; replaces valine 716 with alanine.
Molecular consequence: missense variant.
Genome position (GRCh38, 1-based): chr5:128,369,283, A>G on the plus strand (T>C on the coding strand, the complement: FBN2 is on the minus strand). VCF-style: chr5-128369283-A-G. GRCh37 (hg19) VCF-style: chr5-127704976-A-G.
Other names: short protein forms V716A.
Identifiers: ClinVar variation 3679898 (VCV003679898.2).
Genomic context (GRCh38, chr5:128,369,283, plus strand): 5'-CCATAGTCTGGATTGGCACAGCAGCATTCGGACTTGGTCACTGCACCGGGGAAAGGACGC[A>G]CACACACTCCTTTCTTGATTCCTCCATAGCAGGTACTGCGCATGTGAGTATCTAAAGGAG-3'
Protein context (NP_001990.2, residues 706-726): CYGGIKKGVC[Val716Ala]RPFPGAVTKS